The following is an entry in ClinVar:

NM_194248.3(OTOF):c.3608A>G (p.Asn1203Ser)

Gene: OTOF (otoferlin; minus strand). Cytogenetic location: 2p23.3.
Variant type: single nucleotide variant.
Coding change: c.3608A>G on transcript NM_194248.3 (MANE Select); coding-DNA position 3608, A replaced by G.
Protein change: p.Asn1203Ser; replaces asparagine 1203 with serine.
Molecular consequence: missense variant.
Genome position (GRCh38, 1-based): chr2:26,473,257, T>C on the plus strand (A>G on the coding strand, the complement: OTOF is on the minus strand). VCF-style: chr2-26473257-T-C. GRCh37 (hg19) VCF-style: chr2-26696125-T-C.
Other names: c.3608A>G, p.Asn1203Ser (NM_001287489.2); c.1367A>G, p.Asn456Ser (NM_004802.4, NM_194323.3); c.1538A>G, p.Asn513Ser (NM_194322.3); short protein forms N1203S, N456S, N513S.
Identifiers: ClinVar variation 48219 (VCV000048219.23), dbSNP rs61740776, ClinGen allele CA142857.
Genomic context (GRCh38, chr2:26,473,257, plus strand): 5'-ACGGCATGGGAGCCCACCAGTGTGTAGCGACCGAAGGCCCGGCAGTCCACCACACGGATG[T>C]TCAAGGGCGGGTGCAGCAGCTCGTTCTCTGGGAGGTCCTGGGGTGTTGGCGACAGGAGCC-3'
Protein context (NP_919224.1, residues 1193-1213): PENELLHPPL[Asn1203Ser]IRVVDCRAFG

ClinVar aggregate classification (germline): Benign/Likely benign. Review status: criteria provided, multiple submitters, no conflicts (2 of 4 stars). 9 submissions from 9 submitters: Benign (6); Likely benign (2). 1 of the submissions does not count toward it. Last evaluated 2026-02-01.

Conditions:
OTOF-related disorder. Also called: OTOF-related condition.
Autosomal recessive nonsyndromic hearing loss 9. Also called: Deafness, autosomal recessive 9; AUDITORY NEUROPATHY, AUTOSOMAL RECESSIVE, 1, TEMPERATURE-SENSITIVE; NEUROSENSORY NONSYNDROMIC RECESSIVE DEAFNESS 9; OTOF-Related Hearing Loss. Identifiers: Orphanet 90636, MedGen C1832828, MONDO:0010986, OMIM 601071.
Bilateral sensorineural hearing impairment. Also called: Bilateral sensorineural hearing loss. Identifiers: MedGen C0452138, HP:0008619.

Allele frequency attached by ClinVar (database versions not stated): gnomAD exomes 0.00147 and 0.00391; ExAC 0.00474; 1000 Genomes Project 0.01318; 1000 Genomes Project 30x 0.01327; gnomAD 0.01584 and 0.01706; TOPMed 0.01700; ESP Exome Variant Server 0.01899.
gnomAD v4.1: 4,665 of 1,613,348 alleles (0.29%); highest among the groups gnomAD compares: African/African-American, 5.5%; 105 homozygotes.

Submissions (9):

Labcorp Genetics (formerly Invitae), Labcorp
Classification: Benign. Last evaluated: 2026-02-01. Review status: criteria provided, single submitter. Criteria: Invitae Variant Classification Sherloc (09022015). Collection method: clinical testing. Allele origin: germline.

Fulgent Genetics
Classification: Benign for Autosomal recessive nonsyndromic hearing loss 9. Last evaluated: 2021-09-08. Review status: criteria provided, single submitter. Criteria: ACMG Guidelines, 2015. Collection method: clinical testing. Allele origin: unknown.

Athena Diagnostics
Classification: Benign. Last evaluated: 2018-09-14. Review status: criteria provided, single submitter. Criteria: Athena Diagnostics Criteria. Collection method: clinical testing. Allele origin: germline.

GeneDx
Classification: Benign. Last evaluated: 2018-03-12. Review status: criteria provided, single submitter. Criteria: GeneDx Variant Classification (06012015). Collection method: clinical testing. Allele origin: germline. Affected: yes.
Comment: This variant is considered likely benign or benign based on one or more of the following criteria: it is a conservative change, it occurs at a poorly conserved position in the protein, it is predicted to be benign by multiple in silico algorithms, and/or has population frequency not consistent with disease.

Illumina Laboratory Services, Illumina
Classification: Likely benign for Autosomal recessive nonsyndromic hearing loss 9. Last evaluated: 2018-01-12. Review status: criteria provided, single submitter. Criteria: ICSL Variant Classification Criteria 13 December 2019. Collection method: clinical testing. Allele origin: germline.
Comment: This variant was observed in the ICSL laboratory as part of a predisposition screen in an ostensibly healthy population. It had not been previously curated by ICSL or reported in the Human Gene Mutation Database (HGMD: prior to June 1st, 2018), and was therefore a candidate for classification through an automated scoring system. Utilizing variant allele frequency, disease prevalence and penetrance estimates, and inheritance mode, an automated score was calculated to assess if this variant is too frequent to cause the disease. Based on the score and internal cut-off values, a variant classified as likely benign is not then subjected to further curation. The score for this variant resulted in a classification of likely benign for this disease.

Laboratory for Molecular Medicine, Mass General Brigham Personalized Medicine
Classification: Benign. Last evaluated: 2011-08-26. Review status: criteria provided, single submitter. Criteria: LMM Criteria. Collection method: clinical testing. Allele origin: germline. Observed: 22 variant alleles.
Comment: Asn1203Ser in exon 29 of OTOF: This variant is not expected to have clinical sig nificance due to a frequency of 5.9% (7/118) in Black controls (rs61740776).

Breakthrough Genomics
Classification: Likely benign. Review status: criteria provided, single submitter. Criteria: ACMG Guidelines, 2015. Collection method: not provided. Allele origin: germline. Inheritance: Autosomal recessive inheritance. Affected: yes.

Laboratory of Human Genetics, Institute of Biosciences - University of Sao Paulo
Classification: Benign for Bilateral sensorineural hearing impairment. Review status: criteria provided, single submitter. Criteria: ClinGen HL ACMG Specifications v1. Collection method: research. Allele origin: germline. Affected: yes. Observed: 1 heterozygote.
Comment: clinical significance unknown since this variant was found in single heterozygosis and a likely pathogenic heterozygous variant in FGFR2 was detected, which is more probably related to the phenotype

PreventionGenetics, part of Exact Sciences
Classification: Benign for OTOF-related condition. Last evaluated: 2019-06-13. Review status: no assertion criteria provided. Collection method: clinical testing. Allele origin: germline. Not counted in ClinVar's aggregate classification.
Comment: This variant is classified as benign based on ACMG/AMP sequence variant interpretation guidelines (Richards et al. 2015 PMID: 25741868, with internal and published modifications).

Literature cited by the submitters: PubMed 20146813 (cited by Laboratory for Molecular Medicine, Mass General Brigham Personalized Medicine); PubMed 34652575 (cited by Laboratory of Human Genetics, Institute of Biosciences - University of Sao Paulo); PubMed 19461658 (cited by Laboratory of Human Genetics, Institute of Biosciences - University of Sao Paulo).